The following is an entry in ClinVar:

NM_001253.4(CDC5L):c.147A>G (p.Arg49=)

Gene: CDC5L (cell division cycle 5 like; plus strand). Cytogenetic location: 6p21.1.
Variant type: single nucleotide variant.
Coding change: c.147A>G on transcript NM_001253.4 (MANE Select); coding-DNA position 147, A replaced by G.
Protein change: p.Arg49=; no amino-acid change (arginine 49 retained).
Molecular consequence: synonymous variant.
Genome position (GRCh38, 1-based): chr6:44,390,369, A>G. VCF-style: chr6-44390369-A-G. GRCh37 (hg19) VCF-style: chr6-44358106-A-G.
Identifiers: ClinVar variation 2629345 (VCV002629345.2), dbSNP rs1016731902, ClinGen allele CA138380734.

ClinVar aggregate classification (germline): Uncertain significance (0 of 4 stars; one submission).

Conditions:
CDC5L-related disorder. Also called: CDC5L-related condition.

Allele frequency attached by ClinVar (database versions not stated): TOPMed below 0.00001; gnomAD 0.00001; gnomAD exomes 0.00001.
gnomAD v4.1: 20 of 1,584,644 alleles (0.0013%); highest among the groups gnomAD compares: Non-Finnish European, 0.0016%; no homozygotes.

Submission:

PreventionGenetics, part of Exact Sciences
Classification: Uncertain significance for CDC5L-related condition. Last evaluated: 2024-05-29. Review status: no assertion criteria provided. Collection method: clinical testing. Allele origin: germline.
Comment: The CDC5L c.147A>G variant is not predicted to result in an amino acid change (p.=). However, this variant is predicted to possibly weaken the canonical donor splice site (Alamut Visual Plus v1.6.1). To our knowledge, this variant has not been reported in the literature. This variant is reported in 0.0018% of alleles in individuals of European (non-Finnish) descent in gnomAD. At this time, the clinical significance of this variant is uncertain due to the absence of conclusive functional and genetic evidence.